The following is an entry in ClinVar:

ClinVar aggregate classification (germline): Uncertain significance (1 of 4 stars; one submission).

Conditions:
3-methylglutaconic aciduria type 1 (MGCA1). Identifiers: Orphanet 67046, MedGen C0342727, MONDO:0009610, OMIM 250950.

gnomAD v4.1: 3 of 1,613,854 alleles (0.00019%); highest among the groups gnomAD compares: East Asian, 0.0022%; no homozygotes.

Submission:

Juno Genomics, Hangzhou Juno Genomics, Inc
Classification: Uncertain significance for 3-methylglutaconic aciduria type 1. Review status: criteria provided, single submitter. Criteria: ACMG Guidelines, 2015. Collection method: clinical testing. Allele origin: germline.
Comment: Absent from controls (or at extremely low frequency if recessive) in Genome Aggregation Database.;Multiple lines of computational evidence support a deleterious effect on the gene or gene product.

NM_001698.3(AUH):c.554G>A (p.Gly185Asp)

Gene: AUH (AU RNA binding methylglutaconyl-CoA hydratase; minus strand). Cytogenetic location: 9q22.31.
Variant type: single nucleotide variant.
Coding change: c.554G>A on transcript NM_001698.3 (MANE Select); coding-DNA position 554, G replaced by A.
Protein change: p.Gly185Asp; replaces glycine 185 with aspartic acid.
Molecular consequence: missense variant.
Genome position (GRCh38, 1-based): chr9:91,298,028, C>T on the plus strand (G>A on the coding strand, the complement: AUH is on the minus strand). VCF-style: chr9-91298028-C-T. GRCh37 (hg19) VCF-style: chr9-94060310-C-T.
Other names: c.467G>A, p.Gly156Asp (NM_001306190.2); c.227G>A, p.Gly76Asp (NM_001351431.2, NM_001351432.2, NM_001351433.2); short protein forms G185D, G156D, G76D.
Identifiers: ClinVar variation 5007471 (VCV005007471.2).
Genomic context (GRCh38, chr9:91,298,028, plus strand): 5'-CAGGATTAATTCTTACCTGCTACTCGTATATCACAGGCTAAAGCCAGTTCAAGACCACCA[C>T]CTAAAGCGAGTCCATCTATTGCTGCAATTGTTGGTACTGGAAGATTAGCTGAAATGGAAA-3'
Protein context (NP_001689.1, residues 175-195): TIAAIDGLAL[Gly185Asp]GGLELALACD